The following is an entry in ClinVar:

NM_000393.5(COL5A2):c.3805C>T (p.His1269Tyr)

Gene: COL5A2 (collagen type V alpha 2 chain; minus strand). Cytogenetic location: 2q32.2.
Variant type: single nucleotide variant.
Coding change: c.3805C>T on transcript NM_000393.5 (MANE Select); coding-DNA position 3805, C replaced by T.
Protein change: p.His1269Tyr; replaces histidine 1269 with tyrosine.
Molecular consequence: missense variant.
Genome position (GRCh38, 1-based): chr2:189,039,392, G>A on the plus strand (C>T on the coding strand, the complement: COL5A2 is on the minus strand). VCF-style: chr2-189039392-G-A. GRCh37 (hg19) VCF-style: chr2-189904118-G-A.
Other names: short protein forms H1269Y.
Identifiers: ClinVar variation 3774034 (VCV003774034.1).

ClinVar aggregate classification (germline): Uncertain significance (1 of 4 stars; one submission).

Submission:

GeneDx
Classification: Uncertain significance. Last evaluated: 2024-09-04. Review status: criteria provided, single submitter. Criteria: GeneDx Variant Classification Process June 2021. Collection method: clinical testing. Allele origin: germline. Affected: yes.
Comment: Not observed at significant frequency in large population cohorts (gnomAD); In silico analysis indicates that this missense variant does not alter protein structure/function; Has not been previously published as pathogenic or benign to our knowledge; Not located in the triple helical region, where the majority of pathogenic missense variants occur (PMID: 22696272; HGMD); This variant is associated with the following publications: (PMID: 22696272)